The following is an entry in ClinVar:

NM_004656.4(BAP1):c.1509C>G (p.Phe503Leu)

Gene: BAP1 (BRCA1 associated deubiquitinase 1; minus strand). Cytogenetic location: 3p21.1.
Variant type: single nucleotide variant.
Coding change: c.1509C>G on transcript NM_004656.4 (MANE Select); coding-DNA position 1509, C replaced by G.
Protein change: p.Phe503Leu; replaces phenylalanine 503 with leucine.
Molecular consequence: missense variant.
Genome position (GRCh38, 1-based): chr3:52,403,636, G>C on the plus strand (C>G on the coding strand, the complement: BAP1 is on the minus strand). VCF-style: chr3-52403636-G-C. GRCh37 (hg19) VCF-style: chr3-52437652-G-C.
Other names: c.1455C>G, p.Phe485Leu (NM_001410772.1); short protein forms F503L, F485L.
Identifiers: ClinVar variation 2880400 (VCV002880400.3), dbSNP rs2471328562, ClinGen allele CA353100913.

ClinVar aggregate classification (germline): Uncertain significance (1 of 4 stars; one submission).

Conditions:
BAP1-related tumor predisposition syndrome (TPDS1). Also called: COMMON Syndrome; Tumor susceptibility linked to germline BAP1 mutations; TUMOR PREDISPOSITION SYNDROME 1; BAP1 tumor predisposition syndrome. Identifiers: Orphanet 289539, MedGen C3280492, MONDO:0013692, OMIM 614327.

Allele frequency attached by ClinVar (database versions not stated): gnomAD exomes below 0.00001.
gnomAD v4.1: 1 of 1,613,962 alleles (0.000062%); highest among the groups gnomAD compares: Non-Finnish European, 0.000085%; no homozygotes.

Submission:

Labcorp Genetics (formerly Invitae), Labcorp
Classification: Uncertain significance for BAP1-related tumor predisposition syndrome. Last evaluated: 2023-08-30. Review status: criteria provided, single submitter. Criteria: Invitae Variant Classification Sherloc (09022015). Collection method: clinical testing. Allele origin: germline.
Comment: In summary, the available evidence is currently insufficient to determine the role of this variant in disease. Therefore, it has been classified as a Variant of Uncertain Significance. Advanced modeling of protein sequence and biophysical properties (such as structural, functional, and spatial information, amino acid conservation, physicochemical variation, residue mobility, and thermodynamic stability) performed at Invitae indicates that this missense variant is expected to disrupt BAP1 protein function. This missense change has been observed in individual(s) with cutaneous melanoma (PMID: 32325837). This variant is not present in population databases (gnomAD no frequency). This sequence change replaces phenylalanine, which is neutral and non-polar, with leucine, which is neutral and non-polar, at codon 503 of the BAP1 protein (p.Phe503Leu).

Literature cited by the submitters: PubMed 32325837.